The following is an entry in ClinVar:

ClinVar aggregate classification (germline): Conflicting classifications of pathogenicity. Review status: criteria provided, conflicting classifications (1 of 4 stars). 3 submissions from 3 submitters: Uncertain significance (1); Benign (1); Likely benign (1). Last evaluated 2026-04-01.

Conditions:
Inborn genetic diseases. Identifiers: MedGen C0950123, MeSH D030342.
Intellectual developmental disorder with autistic features and language delay, with or without seizures. Identifiers: MedGen C5394447, MONDO:0030051, OMIM 618906.

Allele frequency attached by ClinVar (database versions not stated): 1000 Genomes Project 30x 0.00016; ExAC 0.00017; gnomAD 0.00017; 1000 Genomes Project 0.00020; TOPMed 0.00020; gnomAD exomes 0.00021.
gnomAD v4.1: 339 of 1,613,412 alleles (0.021%); highest among the groups gnomAD compares: Non-Finnish European, 0.026%; 1 homozygote.

Submissions (3):

CeGaT Center for Human Genetics Tuebingen
Classification: Benign. Last evaluated: 2026-04-01. Review status: criteria provided, single submitter. Criteria: CeGaT Center For Human Genetics Tuebingen Variant Classification Criteria Version 2. Collection method: clinical testing. Allele origin: germline. Affected: yes. Observed: 3 variant alleles.
Comment: TANC2: BS1, BS2

Ambry Genetics
Classification: Likely benign for Inborn genetic diseases. Last evaluated: 2024-05-03. Review status: criteria provided, single submitter. Criteria: Ambry Variant Classification Scheme 2023. Collection method: clinical testing. Allele origin: germline.

Pittsburgh Clinical Genomics Laboratory, University of Pittsburgh Medical Center
Classification: Uncertain significance for Intellectual developmental disorder with autistic features and language delay, with or without seizures. Last evaluated: 2023-02-23. Review status: criteria provided, single submitter. Criteria: ACMG Guidelines, 2015. Collection method: clinical testing. Allele origin: germline. Inheritance: Autosomal dominant inheritance. Affected: yes.
Comment: This sequence variant is a single nucleotide substitution (C>T) at position 1318 of the coding sequence of the TANC2 gene that results in an arginine to tryptophan amino acid change at residue 440 of the TANC2 protein. The Arg440 residue falls in the ATPase domain which plays a critical role as a molecular switch (PMID: 28754924). This variant is rare in control population datasets (gnomAD database, 35 of 279,262 alleles, 0.013%) and absent from online databases of clinically annotated variants (ClinVar). To our knowledge, this variant has not been observed in the published literature in individuals affected by TANC2-related disorders. Multiple bioinformatic tools predict that this arginine to tryptophan amino acid change would be damaging, and the Arg440 residue is strongly conserved across the vertebrate species examined. Studies examining the functiol consequence of this variant have not been published, to our knowledge. At this time, there is insufficient evidence to determine if this variant is pathogenic or benign. Therefore, we consider this a variant of uncertain significance. ACMG Criteria: BP1, PP3

Literature cited by the submitters: PubMed 28754924 (cited by Pittsburgh Clinical Genomics Laboratory, University of Pittsburgh Medical Center).

NM_001394998.1(TANC2):c.1540C>T (p.Arg514Trp)

Gene: TANC2 (tetratricopeptide repeat, ankyrin repeat and coiled-coil containing 2; plus strand). Cytogenetic location: 17q23.3.
Variant type: single nucleotide variant.
Coding change: c.1540C>T on transcript NM_001394998.1 (MANE Select); coding-DNA position 1540, C replaced by T.
Protein change: p.Arg514Trp; replaces arginine 514 with tryptophan.
Molecular consequence: missense variant.
Genome position (GRCh38, 1-based): chr17:63,319,055, C>T. VCF-style: chr17-63319055-C-T. GRCh37 (hg19) VCF-style: chr17-61396416-C-T.
Other names: c.1318C>T, p.Arg440Trp (NM_001411076.1, NM_025185.4); c.1318C>T (NM_025185.3); short protein forms R440W, R514W.
Identifiers: ClinVar variation 2672707 (VCV002672707.26), dbSNP rs199541150, ClinGen allele CA8697603.